The following is an entry in ClinVar:

ClinVar aggregate classification (germline): Conflicting classifications of pathogenicity. Review status: criteria provided, conflicting classifications (1 of 4 stars). 2 submissions from 2 submitters: Uncertain significance (1); Benign (1). Last evaluated 2025-09-23.

Conditions:
Heterotopia, periventricular, X-linked dominant (PVNH1). Also called: PERIVENTRICULAR NODULAR HETEROTOPIA 4; HETEROTOPIA, PERIVENTRICULAR, 1; PERIVENTRICULAR NODULAR HETEROTOPIA 1; X-linked periventricular heterotopia. Identifiers: Orphanet 2149, Orphanet 82004, MedGen C1848213, MONDO:0010233, OMIM 300049.
Melnick-Needles syndrome (MNS). Also called: MELNICK-NEEDLES OSTEODYSPLASTY; OSTEODYSPLASTY OF MELNICK AND NEEDLES; Melnick-Needles Syndrome (FLNA-MNS). Identifiers: Orphanet 2484, MedGen C0025237, MONDO:0010650, OMIM 309350.
Frontometaphyseal dysplasia (FMD1). Identifiers: Orphanet 1826, MedGen C0265293, MONDO:0015942.
Oto-palato-digital syndrome, type II (OPD2). Also called: FACIOPALATOOSSEOUS SYNDROME; OPD II SYNDROME; Otopalatodigital Syndrome, Type II; Otopalatodigital Syndrome Type 2 (FLNA-OPD2). Identifiers: Orphanet 669, Orphanet 90652, MedGen C1844696, MONDO:0010571, OMIM 304120.
Familial thoracic aortic aneurysm and aortic dissection (TAAD). Also called: Thoracic aortic aneurysms and dissections. Identifiers: Orphanet 91387, MedGen C4707243, MONDO:0019625.

Allele frequency attached by ClinVar (database versions not stated): ExAC 0.00002; gnomAD exomes 0.00003 and 0.00001.
gnomAD v4.1: 32 of 1,211,178 alleles (0.0026%); highest among the groups gnomAD compares: South Asian, 0.0035%; no homozygotes.

Submissions (2):

Labcorp Genetics (formerly Invitae), Labcorp
Classification: Benign for Oto-palato-digital syndrome, type II; Heterotopia, periventricular, X-linked dominant; Frontometaphyseal dysplasia; Melnick-Needles syndrome. Last evaluated: 2025-09-23. Review status: criteria provided, single submitter. Criteria: Invitae Variant Classification Sherloc (09022015). Collection method: clinical testing. Allele origin: germline.

Ambry Genetics
Classification: Uncertain significance for Familial thoracic aortic aneurysm and aortic dissection. Last evaluated: 2018-07-08. Review status: criteria provided, single submitter. Criteria: Ambry Variant Classification Scheme 2023. Collection method: clinical testing. Allele origin: germline.
Comment: The p.G702S variant (also known as c.2104G>A), located in coding exon 13 of the FLNA gene, results from a G to A substitution at nucleotide position 2104. The glycine at codon 702 is replaced by serine, an amino acid with similar properties. This amino acid position is not well conserved in available vertebrate species. In addition, this alteration is predicted to be tolerated by in silico analysis. Since supporting evidence is limited at this time, the clinical significance of this alteration remains unclear.

NM_001110556.2(FLNA):c.2104G>A (p.Gly702Ser)

Gene: FLNA (filamin A; minus strand). Cytogenetic location: Xq28.
Variant type: single nucleotide variant.
Coding change: c.2104G>A on transcript NM_001110556.2 (MANE Select); coding-DNA position 2104, G replaced by A.
Protein change: p.Gly702Ser; replaces glycine 702 with serine.
Molecular consequence: missense variant.
Genome position (GRCh38, 1-based): chrX:154,364,291, C>T on the plus strand (G>A on the coding strand, the complement: FLNA is on the minus strand). VCF-style: chrX-154364291-C-T. GRCh37 (hg19) VCF-style: chrX-153592659-C-T.
Other names: c.2104G>A, p.Gly702Ser (NM_001456.4); short protein forms G702S.
Identifiers: ClinVar variation 1397623 (VCV001397623.8), dbSNP rs781988346, ClinGen allele CA10561010.